The following is an entry in ClinVar:

ClinVar aggregate classification (germline): Pathogenic (1 of 4 stars; one submission).

Conditions:
Pyruvate dehydrogenase E3 deficiency (DLDD). Also called: Dihydrolipoamide Dehydrogenase (E3) Deficiency; MAPLE SYRUP URINE DISEASE, TYPE III; Dihydrolipoamide Dehydrogenase Deficiency; Lipoamide dehydrogenase deficiency, lactic acidosis due to; Lipoamide dehydrogenase deficiency; DLD DEFICIENCY. Identifiers: Orphanet 2394, Orphanet 765, MedGen C5574660, MONDO:0009529, OMIM 246900.

Submission:

Labcorp Genetics (formerly Invitae), Labcorp
Classification: Pathogenic for Pyruvate dehydrogenase E3 deficiency. Last evaluated: 2021-06-17. Review status: criteria provided, single submitter. Criteria: Invitae Variant Classification Sherloc (09022015). Collection method: clinical testing. Allele origin: germline.
Comment: For these reasons, this variant has been classified as Pathogenic. This variant has not been reported in the literature in individuals with DLD-related conditions. This variant is not present in population databases (ExAC no frequency). This sequence change creates a premature translational stop signal (p.Tyr416Serfs*9) in the DLD gene. It is expected to result in an absent or disrupted protein product. Loss-of-function variants in DLD are known to be pathogenic (PMID: 8968745, 9934985).

Literature cited by the submitters: PubMed 8968745; PubMed 9934985.

NM_000108.5(DLD):c.1245_1249del (p.Tyr416fs)

Gene: DLD (dihydrolipoamide dehydrogenase; plus strand). Cytogenetic location: 7q31.1.
Variant type: Deletion.
Coding change: c.1245_1249del on transcript NM_000108.5 (MANE Select); coding-DNA positions 1245 to 1249, 5 bases deleted (GTACA; older notation c.1245_1249delGTACA).
Protein change: p.Tyr416fs; shifts the reading frame from tyrosine 416.
Molecular consequence: frameshift variant.
Genome position (GRCh38, 1-based): chr7:107,917,932-107,917,936, GTACA deleted; deleting any 5 consecutive bases within chr7:107,917,931-107,917,936 gives the same sequence; the c. name uses the placement nearest the transcript's 3' end. VCF-style (leftmost placement, unchanged base first): chr7-107917930-GAGTAC-G. GRCh37 (hg19) VCF-style: chr7-107558375-GAGTAC-G.
Other names: c.948_952del, p.Tyr317fs (NM_001289750.1); c.1176_1180del, p.Tyr393fs (NM_001289751.1); c.1101_1105del, p.Tyr368fs (NM_001289752.1); short protein forms Y393fs, Y416fs, Y317fs, Y368fs.
Identifiers: ClinVar variation 1424970 (VCV001424970.6), dbSNP rs2116273912, ClinGen allele CA2573141458.